The following is an entry in ClinVar:

ClinVar aggregate classification (germline): Pathogenic/Likely pathogenic. Review status: criteria provided, multiple submitters, no conflicts (2 of 4 stars). 4 submissions from 4 submitters: Pathogenic (2); Likely pathogenic (2). Last evaluated 2025-03-05.

Conditions:
Metaphyseal chondrodysplasia, Schmid type (MCDS). Also called: SPONDYLOMETAPHYSEAL DYSPLASIA, JAPANESE TYPE. Identifiers: Orphanet 174, MedGen C0265289, MONDO:0007983, OMIM 156500.

Allele frequency attached by ClinVar (database versions not stated): gnomAD exomes below 0.00001 and 0.00001; ExAC 0.00001; gnomAD 0.00001; TOPMed 0.00002.
gnomAD v4.1: 8 of 1,613,684 alleles (0.0005%); highest among the groups gnomAD compares: African/African-American, 0.0067%; no homozygotes.

Submissions (4):

Revvity Omics, Revvity
Classification: Likely pathogenic for Metaphyseal chondrodysplasia, Schmid type. Last evaluated: 2025-03-05. Review status: criteria provided, single submitter. Criteria: ACMG Guidelines, 2015. Collection method: clinical testing. Allele origin: germline.

Centre of Medical Genetics, University Hospital Muenster
Classification: Pathogenic. Last evaluated: 2022-09-06. Review status: criteria provided, single submitter. Criteria: ACMG Guidelines, 2015. Collection method: clinical testing. Allele origin: unknown. Affected: yes. Observed: 1 variant allele, 1 heterozygote.
Comment: ACMG categories: PVS1,PM1,PM2,PP5

Institute for Clinical Genetics, University Hospital TU Dresden, University Hospital TU Dresden
Classification: Pathogenic. Last evaluated: 2021-11-03. Review status: criteria provided, single submitter. Criteria: ACMG Guidelines, 2015. Collection method: clinical testing. Allele origin: germline.

Clinical Genetics Service, Universitary Hospital 12 de Octubre
Classification: Likely pathogenic for Metaphyseal chondrodysplasia, Schmid type. Review status: criteria provided, single submitter. Criteria: ACMG Guidelines, 2015. Collection method: clinical testing. Allele origin: maternal. Affected: yes.

NM_000493.4(COL10A1):c.211C>T (p.Arg71Ter)

Genes: COL10A1 (collagen type X alpha 1 chain; minus strand), NT5DC1 (5'-nucleotidase domain containing 1; plus strand). Cytogenetic location: 6q22.1.
Variant type: single nucleotide variant.
Coding change: c.211C>T on transcript NM_000493.4 (MANE Select); coding-DNA position 211, C replaced by T.
Protein change: p.Arg71Ter; replaces arginine 71 with a stop codon.
Molecular consequence: nonsense. On other transcripts: intron variant (1).
Genome position (GRCh38, 1-based): chr6:116,121,905, G>A on the plus strand (C>T on the coding strand, the complement: COL10A1 is on the minus strand). VCF-style: chr6-116121905-G-A. GRCh37 (hg19) VCF-style: chr6-116443068-G-A.
Other names: c.211C>T, p.Arg71Ter (NM_001424106.1, NM_001424107.1); c.529+3960G>A (NM_152729.3); short protein forms R71*.
Identifiers: ClinVar variation 1319412 (VCV001319412.7), dbSNP rs779802963, ClinGen allele CA3968453.
Genomic context (GRCh38, chr6:116,121,905, plus strand): 5'-GGAGTCCAGGACTTCCGTAGCCTGGTTTTCCTGGTGGTCCAGAAGGACCTGGGTGCCCTC[G>A]AGGTCCAGCAGGGCCTGGTGGACCAGGAGTACCTTGCTCTCCTCTTACTGCTATACCTAA-3'